The following is an entry in ClinVar:

NM_001201407.2(ZNF778):c.896G>A (p.Arg299His)

Gene: ZNF778 (zinc finger protein 778; plus strand). Cytogenetic location: 16q24.3.
Variant type: single nucleotide variant.
Coding change: c.896G>A on transcript NM_001201407.2 (MANE Select); coding-DNA position 896, G replaced by A.
Protein change: p.Arg299His; replaces arginine 299 with histidine.
Molecular consequence: missense variant. On other transcripts: non-coding transcript variant (1).
Genome position (GRCh38, 1-based): chr16:89,227,184, G>A. VCF-style: chr16-89227184-G-A. GRCh37 (hg19) VCF-style: chr16-89293592-G-A.
Other names: c.896G>A, p.Arg299His (NM_001378881.1); c.812G>A, p.Arg271His (NM_182531.5); short protein forms R271H, R299H.
Identifiers: ClinVar variation 2647048 (VCV002647048.24), dbSNP rs183870297, ClinGen allele CA8240228.

ClinVar aggregate classification (germline): Likely benign. Review status: criteria provided, multiple submitters, no conflicts (2 of 4 stars). 2 submissions from 2 submitters: Likely benign (2). Last evaluated 2025-11-05.

Allele frequency attached by ClinVar (database versions not stated): 1000 Genomes Project 30x 0.00109; 1000 Genomes Project 0.00140; ESP Exome Variant Server 0.00233; ExAC 0.00236; gnomAD exomes 0.00350.

Submissions (2):

Ambry Genetics
Classification: Likely benign. Last evaluated: 2025-11-05. Review status: criteria provided, single submitter. Criteria: Ambry Variant Classification Scheme 2023. Collection method: clinical testing. Allele origin: germline.

CeGaT Center for Human Genetics Tuebingen
Classification: Likely benign. Last evaluated: 2022-05-01. Review status: criteria provided, single submitter. Criteria: CeGaT Center For Human Genetics Tuebingen Variant Classification Criteria Version 2. Collection method: clinical testing. Allele origin: germline. Affected: yes. Observed: 1 variant allele.
Comment: ZNF778: BP4